The following is an entry in ClinVar:

ClinVar aggregate classification (germline): Uncertain significance (1 of 4 stars; one submission).

Submission:

Labcorp Genetics (formerly Invitae), Labcorp
Classification: Uncertain significance. Last evaluated: 2021-02-18. Review status: criteria provided, single submitter. Criteria: Invitae Variant Classification Sherloc (09022015). Collection method: clinical testing. Allele origin: germline.
Comment: In summary, the available evidence is currently insufficient to determine the role of this variant in disease. Therefore, it has been classified as a Variant of Uncertain Significance. Algorithms developed to predict the effect of missense changes on protein structure and function (SIFT, PolyPhen-2, Align-GVGD) all suggest that this variant is likely to be disruptive, but these predictions have not been confirmed by published functional studies and their clinical significance is uncertain. This variant has not been reported in the literature in individuals with TFAP2B-related conditions. This variant is not present in population databases (ExAC no frequency). This sequence change replaces phenylalanine with serine at codon 398 of the TFAP2B protein (p.Phe398Ser). The phenylalanine residue is highly conserved and there is a large physicochemical difference between phenylalanine and serine.

NM_003221.4(TFAP2B):c.1193T>C (p.Phe398Ser)

Gene: TFAP2B (transcription factor AP-2 beta; plus strand). Cytogenetic location: 6p12.3.
Variant type: single nucleotide variant.
Coding change: c.1193T>C on transcript NM_003221.4 (MANE Select); coding-DNA position 1193, T replaced by C.
Protein change: p.Phe398Ser; replaces phenylalanine 398 with serine.
Molecular consequence: missense variant.
Genome position (GRCh38, 1-based): chr6:50,843,202, T>C. VCF-style: chr6-50843202-T-C. GRCh37 (hg19) VCF-style: chr6-50810915-T-C.
Other names: short protein forms F398S.
Identifiers: ClinVar variation 1464539 (VCV001464539.8), dbSNP rs2113960616, ClinGen allele CA364416047.